The following is an entry in ClinVar:

ClinVar aggregate classification (germline): Uncertain significance (1 of 4 stars; one submission).

Conditions:
Inborn genetic diseases. Identifiers: MedGen C0950123, MeSH D030342.

Submission:

Ambry Genetics
Classification: Uncertain significance for Inborn genetic diseases. Last evaluated: 2025-10-11. Review status: criteria provided, single submitter. Criteria: Ambry Variant Classification Scheme 2023. Collection method: clinical testing. Allele origin: germline.
Comment: The p.E213G variant (also known as c.638A>G), located in coding exon 6 of the BUB1B gene, results from an A to G substitution at nucleotide position 638. The glutamic acid at codon 213 is replaced by glycine, an amino acid with similar properties. This amino acid position is conserved. In addition, this alteration is predicted to be tolerated by in silico analysis. Based on the available evidence, the clinical significance of this variant remains unclear.

NM_001211.6(BUB1B):c.638A>G (p.Glu213Gly)

Gene: BUB1B (BUB1 mitotic checkpoint serine/threonine kinase B; plus strand). Cytogenetic location: 15q15.1.
Variant type: single nucleotide variant.
Coding change: c.638A>G on transcript NM_001211.6 (MANE Select); coding-DNA position 638, A replaced by G.
Protein change: p.Glu213Gly; replaces glutamic acid 213 with glycine.
Molecular consequence: missense variant.
Genome position (GRCh38, 1-based): chr15:40,183,770, A>G. VCF-style: chr15-40183770-A-G. GRCh37 (hg19) VCF-style: chr15-40475971-A-G.
Other names: short protein forms E213G.
Identifiers: ClinVar variation 4600362 (VCV004600362.1).